The following is an entry in ClinVar:

ClinVar aggregate classification (germline): Likely benign (1 of 4 stars; one submission).

Submission:

GeneDx
Classification: Likely benign. Last evaluated: 2012-07-16. Review status: criteria provided, single submitter. Criteria: GeneDx Variant Classification (06012015). Collection method: clinical testing. Allele origin: germline. Affected: yes.
Comment: This variant is considered likely benign or benign based on one or more of the following criteria: it is a conservative change, it occurs at a poorly conserved position in the protein, it is predicted to be benign by multiple in silico algorithms, and/or has population frequency not consistent with disease.

NM_001943.5(DSG2):c.1808A>G (p.Gln603Arg)

Gene: DSG2 (desmoglein 2; plus strand). Cytogenetic location: 18q12.1.
Variant type: single nucleotide variant.
Coding change: c.1808A>G on transcript NM_001943.5 (MANE Select); coding-DNA position 1808, A replaced by G.
Protein change: p.Gln603Arg; replaces glutamine 603 with arginine.
Molecular consequence: missense variant.
Genome position (GRCh38, 1-based): chr18:31,538,907, A>G. VCF-style: chr18-31538907-A-G. GRCh37 (hg19) VCF-style: chr18-29118870-A-G.
Other names: p.Q603R:CAG>CGG; c.1808A>G (LRG_397t1); short protein forms Q603R.
Identifiers: ClinVar variation 199790 (VCV000199790.1), dbSNP rs794728080, ClinGen allele CA021574.
Genomic context (GRCh38, chr18:31,538,907, plus strand): 5'-AGCAGGTCCTTACACTCACAGTTTGTGAGTGTCTGCATGGCAGCGGCTGCAGGGAAGCAC[A>G]GCATGACTCCTATGTGGGCCTGGGACCCGCAGCAATTGCGCTCATGATTTTGGCCTTTCT-3'
Protein context (NP_001934.2, residues 593-613): CLHGSGCREA[Gln603Arg]HDSYVGLGPA